The following is an entry in ClinVar:

ClinVar aggregate classification (germline): Conflicting classifications of pathogenicity. Review status: criteria provided, conflicting classifications (1 of 4 stars). 7 submissions from 7 submitters: Uncertain significance (3); Benign (1); Likely benign (3). Last evaluated 2026-01-10.

Conditions:
TSC2-related disorder. Also called: TSC2-Related Disorders; TSC2-related condition.
Hereditary cancer-predisposing syndrome. Also called: Hereditary Cancer Syndrome; Neoplastic Syndromes, Hereditary; Tumor predisposition; Hereditary neoplastic syndrome. Identifiers: Orphanet 140162, MedGen C0027672, MeSH D009386, MONDO:0015356.
Tuberous sclerosis syndrome (TSC). Also called: Tuberous sclerosis; Tuberous Sclerosis Complex. Identifiers: Orphanet 805, MedGen C0041341, MONDO:0001734.
Tuberous sclerosis 2 (TSC2). Identifiers: Orphanet 805, MedGen C1860707, MONDO:0013199, OMIM 613254.

Allele frequency attached by ClinVar (database versions not stated): gnomAD 0.00001; gnomAD exomes 0.00001 and 0.00008; TOPMed 0.00002.
gnomAD v4.1: 120 of 1,612,628 alleles (0.0074%); highest among the groups gnomAD compares: Non-Finnish European, 0.01%; no homozygotes.

Submissions (7):

Labcorp Genetics (formerly Invitae), Labcorp
Classification: Likely benign for Tuberous sclerosis 2. Last evaluated: 2026-01-10. Review status: criteria provided, single submitter. Criteria: Invitae Variant Classification Sherloc (09022015). Collection method: clinical testing. Allele origin: germline.

PreventionGenetics, part of Exact Sciences
Classification: Likely benign for TSC2-related condition. Last evaluated: 2025-12-18. Review status: criteria provided, single submitter. Criteria: ACMG Guidelines, 2015. Collection method: clinical testing. Allele origin: germline.
Comment: This variant is classified as likely benign based on ACMG/AMP sequence variant interpretation guidelines (Richards et al. 2015 PMID: 25741868, with internal and published modifications).

Color Diagnostics, LLC DBA Color Health
Classification: Uncertain significance for Tuberous sclerosis syndrome. Last evaluated: 2024-04-18. Review status: criteria provided, single submitter. Criteria: ACMG Guidelines, 2015. Collection method: clinical testing. Allele origin: germline.
Comment: This missense variant replaces serine with tyrosine at codon 1526 of the TSC2 protein. Computational prediction is inconclusive regarding the impact of this variant on protein structure and function. To our knowledge, functional studies have not been reported for this variant. This variant has not been reported in individuals affected with TSC2-related disorders in the literature. This variant has been identified in 2/249870 chromosomes in the general population by the Genome Aggregation Database (gnomAD). The available evidence is insufficient to determine the role of this variant in disease conclusively. Therefore, this variant is classified as a Variant of Uncertain Significance.

Blueprint Genetics
Classification: Uncertain significance. Last evaluated: 2023-10-26. Review status: criteria provided, single submitter. Criteria: ACMG Guidelines, 2015. Collection method: clinical testing. Allele origin: germline.

Genome-Nilou Lab
Classification: Benign for Tuberous sclerosis 2. Last evaluated: 2021-11-07. Review status: criteria provided, single submitter. Criteria: ACMG Guidelines, 2015. Collection method: clinical testing. Allele origin: germline. Affected: no.

Sema4
Classification: Uncertain significance for Hereditary cancer-predisposing syndrome. Last evaluated: 2021-10-11. Review status: criteria provided, single submitter. Criteria: Sema4 Curation Guidelines. Collection method: curation. Allele origin: germline.
Comment: The TSC2 c.4577C>A (p.S1526Y) variant has not been reported in the literature to our knowledge. It was observed in 2/112472 chromosomes of the Non-Finnish European subpopulation in the large and broad cohorts of the Genome Aggregation Database. The variant has been reported in ClinVar (Variation ID 207755). In silico tools suggest the impact of the variant on protein function is inconclusive, though these predictions have not been confirmed by functional studies. The evidence is insufficient to meet ACMG/AMP criteria for classifying the variant as benign or pathogenic. Thus, the clinical significance of this variant is currently uncertain.

Ambry Genetics
Classification: Likely benign for Hereditary cancer-predisposing syndrome. Last evaluated: 2020-08-18. Review status: criteria provided, single submitter. Criteria: Ambry Variant Classification Scheme 2023. Collection method: clinical testing. Allele origin: germline.

NM_000548.5(TSC2):c.4577C>A (p.Ser1526Tyr)

Gene: TSC2 (TSC complex subunit 2; plus strand). Cytogenetic location: 16p13.3.
Variant type: single nucleotide variant.
Coding change: c.4577C>A on transcript NM_000548.5 (MANE Select); coding-DNA position 4577, C replaced by A.
Protein change: p.Ser1526Tyr; replaces serine 1526 with tyrosine.
Molecular consequence: missense variant.
Genome position (GRCh38, 1-based): chr16:2,085,237, C>A. VCF-style: chr16-2085237-C-A. GRCh37 (hg19) VCF-style: chr16-2135238-C-A.
Other names: c.4376C>A, p.Ser1459Tyr (NM_001077183.3); c.4508C>A, p.Ser1503Tyr (NM_001114382.3); c.4268C>A, p.Ser1423Tyr (NM_001318827.2); c.4232C>A, p.Ser1411Tyr (NM_001318829.2); c.3845C>A, p.Ser1282Tyr (NM_001318831.2); c.4409C>A, p.Ser1470Tyr (NM_001318832.2); c.4379C>A, p.Ser1460Tyr (NM_001363528.2); c.4445C>A, p.Ser1482Tyr (NM_001370404.1); and 2 more; short protein forms S1526Y, S1282Y, S1459Y, S1423Y, S1503Y, S1411Y, S1470Y, S1482Y.
Identifiers: ClinVar variation 207755 (VCV000207755.21), dbSNP rs796053498, ClinGen allele CA319534.